The following is an entry in ClinVar:

NM_000245.4(MET):c.1203A>G (p.Thr401=)

Gene: MET (MET proto-oncogene, receptor tyrosine kinase; plus strand). Cytogenetic location: 7q31.2.
Variant type: single nucleotide variant.
Coding change: c.1203A>G on transcript NM_000245.4 (MANE Select); coding-DNA position 1203, A replaced by G.
Protein change: p.Thr401=; no amino-acid change (threonine 401 retained).
Molecular consequence: synonymous variant. On other transcripts: 5 prime UTR variant (1).
Genome position (GRCh38, 1-based): chr7:116,731,670, A>G. VCF-style: chr7-116731670-A-G. GRCh37 (hg19) VCF-style: chr7-116371724-A-G.
Other names: c.1203A>G, p.Thr401= (NM_001127500.3, NM_001324401.3); c.-88A>G (NM_001324402.2).
Identifiers: ClinVar variation 818526 (VCV000818526.5), dbSNP rs199892100, ClinGen allele CA164865646.
Genomic context (GRCh38, chr7:116,731,670, plus strand): 5'-CTTACCAGCTTGTTCATGTCTGGATTCACATTAACTCTATGACCATATTTTATTCCAGAC[A>G]CTTCTGAGAAATTCATCAGGCTGTGAAGCGCGCCGTGATGAATATCGAACAGAGTTTACC-3'
Protein context (NP_000236.2, residues 391-411): GPNHEHCFNR[Thr401=]LLRNSSGCEA

ClinVar aggregate classification (germline): Benign/Likely benign. Review status: criteria provided, multiple submitters, no conflicts (2 of 4 stars). 2 submissions from 2 submitters: Benign (1); Likely benign (1). Last evaluated 2024-11-07.

Conditions:
Papillary renal cell carcinoma type 1 (RCCP1). Also called: Renal adenocarcinoma; Renal cell carcinoma 1; Renal cell carcinoma, somatic; RENAL CELL CARCINOMA, PAPILLARY, 1, SOMATIC. Identifiers: Orphanet 47044, MedGen C1336839, OMIM 605074, HP:0011797.
Hereditary cancer-predisposing syndrome. Also called: Tumor predisposition; Hereditary neoplastic syndrome; Neoplastic Syndromes, Hereditary; Hereditary Cancer Syndrome. Identifiers: Orphanet 140162, MedGen C0027672, MeSH D009386, MONDO:0015356.

Submissions (2):

Myriad Genetics, Inc.
Classification: Benign for Papillary renal cell carcinoma type 1. Last evaluated: 2024-11-07. Review status: criteria provided, single submitter. Criteria: Myriad Autosomal Dominant, Autosomal Recessive and X-Linked Classification Criteria (2023). Collection method: clinical testing. Allele origin: unknown.
Comment: This variant is considered benign. This variant is a silent/synonymous amino acid change and it is not expected to impact splicing.

Ambry Genetics
Classification: Likely benign for Hereditary cancer-predisposing syndrome. Last evaluated: 2019-02-06. Review status: criteria provided, single submitter. Criteria: Ambry Variant Classification Scheme 2023. Collection method: clinical testing. Allele origin: germline.